The following is an entry in ClinVar:

ClinVar aggregate classification (germline): Pathogenic. Review status: reviewed by expert panel (3 of 4 stars). 2 submissions from 2 submitters: Pathogenic (1). 1 of the submissions does not count toward it. Last evaluated 2016-10-18.

Conditions:
Breast-ovarian cancer, familial, susceptibility to, 2 (BROVCA2). Also called: BRCA2 Hereditary Breast and Ovarian Cancer. Identifiers: Orphanet 145, MedGen C2675520, MONDO:0012933, OMIM 612555. Disease mechanism: loss of function.

Submissions (2):

Evidence-based Network for the Interpretation of Germline Mutant Alleles (ENIGMA)
Classification: Pathogenic for Breast-ovarian cancer, familial, susceptibility to, 2. Last evaluated: 2016-10-18. Review status: reviewed by expert panel. Criteria: ENIGMA BRCA1/2 Classification Criteria (2015). Collection method: curation. Allele origin: germline.
Comment: Variant allele predicted to encode a truncated non-functional protein.

Consortium of Investigators of Modifiers of BRCA1/2 (CIMBA), c/o University of Cambridge
Classification: Pathogenic for Breast-ovarian cancer, familial, susceptibility to, 2. Last evaluated: 2015-10-02. Review status: criteria provided, single submitter. Criteria: CIMBA Mutation Classification guidelines May 2016. Collection method: clinical testing. Allele origin: germline. Not counted in ClinVar's aggregate classification.

NM_000059.4(BRCA2):c.4021dup (p.Ser1341fs)

Gene: BRCA2 (BRCA2 DNA repair associated; plus strand). Cytogenetic location: 13q13.1.
Variant type: Duplication.
Coding change: c.4021dup on transcript NM_000059.4 (MANE Select); coding-DNA position 4021, one base duplicated (T; older notation c.4021dupT).
Protein change: p.Ser1341fs; shifts the reading frame from serine 1341.
Molecular consequence: frameshift variant.
Genome position (GRCh38, 1-based): chr13:32,338,376, T duplicated; the last of 2 consecutive T bases (chr13:32,338,375-32,338,376); duplicating either gives the same sequence. VCF-style (leftmost placement, unchanged base first): chr13-32338374-A-AT. GRCh37 (hg19) VCF-style: chr13-32912511-A-AT.
Other names: 4249insT; short protein forms S1341fs.
Identifiers: ClinVar variation 266787 (VCV000266787.5), dbSNP rs397507702, ClinGen allele CA10589237.